The following is an entry in ClinVar:

ClinVar aggregate classification (germline): Uncertain significance (1 of 4 stars; one submission).

Conditions:
Lymphoproliferative syndrome 1 (LPFS1). Identifiers: Orphanet 238505, Orphanet 538963, MedGen C3552634, MONDO:0013081, OMIM 613011.

Allele frequency attached by ClinVar (database versions not stated): gnomAD exomes below 0.00001; TOPMed below 0.00001; gnomAD 0.00001.
gnomAD v4.1: 4 of 1,613,048 alleles (0.00025%); highest among the groups gnomAD compares: Non-Finnish European, 0.00025%; no homozygotes.

Submission:

Labcorp Genetics (formerly Invitae), Labcorp
Classification: Uncertain significance for Lymphoproliferative syndrome 1. Last evaluated: 2024-04-03. Review status: criteria provided, single submitter. Criteria: Invitae Variant Classification Sherloc (09022015). Collection method: clinical testing. Allele origin: germline.
Comment: This sequence change falls in intron 16 of the ITK gene. It does not directly change the encoded amino acid sequence of the ITK protein. It affects a nucleotide within the consensus splice site. This variant is not present in population databases (gnomAD no frequency). This variant has not been reported in the literature in individuals affected with ITK-related conditions. ClinVar contains an entry for this variant (Variation ID: 644968). Variants that disrupt the consensus splice site are a relatively common cause of aberrant splicing (PMID: 17576681, 9536098). Algorithms developed to predict the effect of sequence changes on RNA splicing suggest that this variant may disrupt the consensus splice site. In summary, the available evidence is currently insufficient to determine the role of this variant in disease. Therefore, it has been classified as a Variant of Uncertain Significance.

Literature cited by the submitters: PubMed 17576681; PubMed 9536098.

NM_005546.4(ITK):c.1791+5G>A

Gene: ITK (IL2 inducible T cell kinase; plus strand). Cytogenetic location: 5q33.3.
Variant type: single nucleotide variant.
Coding change: c.1791+5G>A on transcript NM_005546.4 (MANE Select); 5 bases into the intron after coding-DNA position 1791, G replaced by A.
Molecular consequence: intron variant.
Genome position (GRCh38, 1-based): chr5:157,249,012, G>A. VCF-style: chr5-157249012-G-A. GRCh37 (hg19) VCF-style: chr5-156676022-G-A.
Identifiers: ClinVar variation 644968 (VCV000644968.6), dbSNP rs1288043073, ClinGen allele CA806225345.